The following is an entry in ClinVar:

ClinVar aggregate classification (germline): Pathogenic (1 of 4 stars; one submission).

Allele frequency attached by ClinVar (database versions not stated): gnomAD 0.00001.
gnomAD v4.1: 3 of 1,612,336 alleles (0.00019%); highest among the groups gnomAD compares: Non-Finnish European, 0.00025%; no homozygotes.

Submission:

Labcorp Genetics (formerly Invitae), Labcorp
Classification: Pathogenic. Last evaluated: 2021-08-19. Review status: criteria provided, single submitter. Criteria: Invitae Variant Classification Sherloc (09022015). Collection method: clinical testing. Allele origin: germline.
Comment: For these reasons, this variant has been classified as Pathogenic. Algorithms developed to predict the effect of sequence changes on RNA splicing suggest that this variant may create or strengthen a splice site. This variant has not been reported in the literature in individuals affected with ASPM-related conditions. This variant is not present in population databases (ExAC no frequency). This sequence change creates a premature translational stop signal (p.Tyr2236*) in the ASPM gene. It is expected to result in an absent or disrupted protein product. Loss-of-function variants in ASPM are known to be pathogenic (PMID: 19028728, 23611254).

Literature cited by the submitters: PubMed 19028728; PubMed 23611254.

NM_018136.5(ASPM):c.6708T>A (p.Tyr2236Ter)

Gene: ASPM (assembly factor for spindle microtubules; minus strand). Cytogenetic location: 1q31.3.
Variant type: single nucleotide variant.
Coding change: c.6708T>A on transcript NM_018136.5 (MANE Select); coding-DNA position 6708, T replaced by A.
Protein change: p.Tyr2236Ter; replaces tyrosine 2236 with a stop codon.
Molecular consequence: nonsense. On other transcripts: intron variant (1).
Genome position (GRCh38, 1-based): chr1:197,102,543, A>T on the plus strand (T>A on the coding strand, the complement: ASPM is on the minus strand). VCF-style: chr1-197102543-A-T. GRCh37 (hg19) VCF-style: chr1-197071673-A-T.
Other names: c.4066-6379T>A (NM_001206846.2); short protein forms Y2236*.
Identifiers: ClinVar variation 1451719 (VCV001451719.6), dbSNP rs778859631, ClinGen allele CA344021692.
Genomic context (GRCh38, chr1:197,102,543, plus strand): 5'-TCTAGCTTTCTTTCCCCTAAAAATAGCCTGAATGTATATTACAGAATGCCTCAGTTTGTT[A>T]TACCTTTGAAATTGTATGTTTCTTTCTTTCATTGCCCAGTATCTTTGCTGTACTGTTTTT-3'